The following is an entry in ClinVar:

ClinVar aggregate classification (germline): Conflicting classifications of pathogenicity. Review status: criteria provided, conflicting classifications (1 of 4 stars). 6 submissions from 6 submitters: Uncertain significance (4); Likely benign (2). Last evaluated 2026-01-25.

Conditions:
Muscular dystrophy-dystroglycanopathy (congenital with brain and eye anomalies), type A2. Also called: MUSCULAR DYSTROPHY-DYSTROGLYCANOPATHY (CONGENITAL WITH BRAIN AND EYE ANOMALIES), TYPE A, 2; WALKER-WARBURG SYNDROME OR MUSCLE-EYE-BRAIN DISEASE, POMT2-RELATED. Identifiers: Orphanet 588, Orphanet 899, MedGen C3150411, MONDO:0013154, OMIM 613150.
Muscular dystrophy-dystroglycanopathy (congenital with impaired intellectual development), type B, 2. Also called: Muscular dystrophy-dystroglycanopathy (congenital with intellectual disability), type B2; MUSCULAR DYSTROPHY, CONGENITAL, POMT2-RELATED. Identifiers: MedGen C3150416, MONDO:0013160, OMIM 613156.
Autosomal recessive limb-girdle muscular dystrophy type 2N. Also called: MUSCULAR DYSTROPHY-DYSTROGLYCANOPATHY, LIMB-GIRDLE, POMT2-RELATED; Muscular dystrophy-dystroglycanopathy (limb-girdle), type C, 2. Identifiers: Orphanet 206559, MedGen C3150418, MONDO:0013162, OMIM 613158.
Inborn genetic diseases. Identifiers: MedGen C0950123, MeSH D030342.

Allele frequency attached by ClinVar (database versions not stated): gnomAD 0.00026 and 0.00028; 1000 Genomes Project 30x 0.00109; gnomAD exomes 0.00010 and 0.00003; ESP Exome Variant Server 0.00054; 1000 Genomes Project 0.00060; ExAC 0.00012; TOPMed 0.00039.
gnomAD v4.1: 87 of 1,614,170 alleles (0.0054%); highest among the groups gnomAD compares: African/African-American, 0.084%; 1 homozygote.

Submissions (6):

Labcorp Genetics (formerly Invitae), Labcorp
Classification: Likely benign for Muscular dystrophy-dystroglycanopathy (congenital with impaired intellectual development), type B, 2; Muscular dystrophy-dystroglycanopathy (congenital with brain and eye anomalies), type A2; Autosomal recessive limb-girdle muscular dystrophy type 2N. Last evaluated: 2026-01-25. Review status: criteria provided, single submitter. Criteria: Invitae Variant Classification Sherloc (09022015). Collection method: clinical testing. Allele origin: germline.

Ambry Genetics
Classification: Uncertain significance for Inborn genetic diseases. Last evaluated: 2025-08-08. Review status: criteria provided, single submitter. Criteria: Ambry Variant Classification Scheme 2023. Collection method: clinical testing. Allele origin: germline.

CeGaT Center for Human Genetics Tuebingen
Classification: Likely benign. Last evaluated: 2023-12-01. Review status: criteria provided, single submitter. Criteria: CeGaT Center For Human Genetics Tuebingen Variant Classification Criteria Version 2. Collection method: clinical testing. Allele origin: germline. Affected: yes. Observed: 1 variant allele.
Comment: POMT2: BS2

Revvity Omics, Revvity
Classification: Uncertain significance. Last evaluated: 2019-07-08. Review status: criteria provided, single submitter. Criteria: ACMG Guidelines, 2015. Collection method: clinical testing. Allele origin: germline.

Eurofins Ntd Llc (ga)
Classification: Uncertain significance. Last evaluated: 2017-07-14. Review status: criteria provided, single submitter. Criteria: EGL Classification Definitions 2015. Collection method: clinical testing. Allele origin: germline. Observed: 1 variant allele, 1 heterozygote.

Athena Diagnostics
Classification: Uncertain significance. Last evaluated: 2016-10-17. Review status: criteria provided, single submitter. Criteria: Athena Diagnostics Criteria. Collection method: clinical testing. Allele origin: germline.

NM_013382.7(POMT2):c.806G>A (p.Ser269Asn)

Gene: POMT2 (protein O-mannosyltransferase 2; minus strand). Cytogenetic location: 14q24.3.
Variant type: single nucleotide variant.
Coding change: c.806G>A on transcript NM_013382.7 (MANE Select); coding-DNA position 806, G replaced by A.
Protein change: p.Ser269Asn; replaces serine 269 with asparagine.
Molecular consequence: missense variant.
Genome position (GRCh38, 1-based): chr14:77,301,100, C>T on the plus strand (G>A on the coding strand, the complement: POMT2 is on the minus strand). VCF-style: chr14-77301100-C-T. GRCh37 (hg19) VCF-style: chr14-77767443-C-T.
Other names: short protein forms S269N.
Identifiers: ClinVar variation 448119 (VCV000448119.38), dbSNP rs375217032, ClinGen allele CA7286089.